The following is an entry in ClinVar:

NM_198252.3(GSN):c.1289G>A (p.Arg430His)

Gene: GSN (gelsolin; plus strand). Cytogenetic location: 9q33.2.
Variant type: single nucleotide variant.
Coding change: c.1289G>A on transcript NM_198252.3 (MANE Select); coding-DNA position 1289, G replaced by A.
Protein change: p.Arg430His; replaces arginine 430 with histidine.
Molecular consequence: missense variant.
Genome position (GRCh38, 1-based): chr9:121,321,365, G>A. VCF-style: chr9-121321365-G-A. GRCh37 (hg19) VCF-style: chr9-124083643-G-A.
Other names: c.1442G>A, p.Arg481His (NM_000177.5); c.1289G>A, p.Arg430His (NM_001127662.2, NM_001127664.2, NM_001127665.2 and 10 more transcripts); c.1397G>A, p.Arg466His (NM_001127663.2); c.1322G>A, p.Arg441His (NM_001127666.2, NM_001127667.2, NM_001353064.2 and 13 more transcripts); c.1340G>A, p.Arg447His (NM_001258029.2); c.1313G>A, p.Arg438His (NM_001258030.2); c.1361G>A, p.Arg454His (NM_001353076.2); c.635G>A, p.Arg212His (NM_001353078.2); short protein forms R441H, R454H, R481H, R212H, R430H, R438H, R466H, R447H.
Identifiers: ClinVar variation 2710026 (VCV002710026.3), dbSNP rs759068282, ClinGen allele CA5221204.
Genomic context (GRCh38, chr9:121,321,365, plus strand): 5'-ACCCTGCCACATATGGACAGTTCTATGGAGGCGACAGCTACATCATTCTGTACAACTACC[G>A]CCATGGTGGCCGCCAGGGGCAGATAATCTATAACTGGTGAGGTTCTGGGGCCATTGGTGT-3'
Protein context (NP_937895.1, residues 420-440): GDSYIILYNY[Arg430His]HGGRQGQIIY

ClinVar aggregate classification (germline): Uncertain significance (1 of 4 stars; one submission).

Allele frequency attached by ClinVar (database versions not stated): gnomAD 0.00001; ExAC 0.00002; gnomAD exomes 0.00002.

Submission:

Labcorp Genetics (formerly Invitae), Labcorp
Classification: Uncertain significance. Last evaluated: 2023-12-06. Review status: criteria provided, single submitter. Criteria: Invitae Variant Classification Sherloc (09022015). Collection method: clinical testing. Allele origin: germline.
Comment: This sequence change replaces arginine, which is basic and polar, with histidine, which is basic and polar, at codon 481 of the GSN protein (p.Arg481His). This variant is present in population databases (rs759068282, gnomAD 0.01%). This variant has not been reported in the literature in individuals affected with GSN-related conditions. An algorithm developed to predict the effect of missense changes on protein structure and function (PolyPhen-2) suggests that this variant is likely to be tolerated. In summary, the available evidence is currently insufficient to determine the role of this variant in disease. Therefore, it has been classified as a Variant of Uncertain Significance.